The following is an entry in ClinVar:

NM_000038.6(APC):c.2336T>G (p.Leu779Ter)

Gene: APC (APC regulator of Wnt signaling pathway; plus strand). Cytogenetic location: 5q22.2.
Variant type: single nucleotide variant.
Coding change: c.2336T>G on transcript NM_000038.6 (MANE Select); coding-DNA position 2336, T replaced by G.
Protein change: p.Leu779Ter; replaces leucine 779 with a stop codon.
Molecular consequence: nonsense.
Genome position (GRCh38, 1-based): chr5:112,837,930, T>G. VCF-style: chr5-112837930-T-G. GRCh37 (hg19) VCF-style: chr5-112173627-T-G.
Other names: c.2336T>G, p.Leu779Ter (NM_001127510.3, NM_001354895.2); c.2282T>G, p.Leu761Ter (NM_001127511.3); c.2390T>G, p.Leu797Ter (NM_001354896.2); c.2366T>G, p.Leu789Ter (NM_001354897.2); c.2261T>G, p.Leu754Ter (NM_001354898.2); c.2252T>G, p.Leu751Ter (NM_001354899.2); c.2213T>G, p.Leu738Ter (NM_001354900.2); c.2159T>G, p.Leu720Ter (NM_001354901.2); and 5 more; short protein forms L779*, L761*, L653*, L720*, L754*, L789*, L496*, L688*.
Identifiers: ClinVar variation 578074 (VCV000578074.10), dbSNP rs1561576302, ClinGen allele CA16026459.

ClinVar aggregate classification (germline): Pathogenic (1 of 4 stars; one submission).

Conditions:
Familial adenomatous polyposis 1 (FAP1). Also called: POLYPOSIS, ADENOMATOUS INTESTINAL; FAMILIAL ADENOMATOUS POLYPOSIS 1, ATTENUATED. Identifiers: MedGen C2713442, MONDO:0021056, OMIM 175100. Disease mechanism: loss of function.

Submission:

Labcorp Genetics (formerly Invitae), Labcorp
Classification: Pathogenic for Familial adenomatous polyposis 1. Last evaluated: 2018-06-04. Review status: criteria provided, single submitter. Criteria: Invitae Variant Classification Sherloc (09022015). Collection method: clinical testing. Allele origin: germline.
Comment: For these reasons, this variant has been classified as Pathogenic. Several different truncations downstream of this variant (p.Ser932*, p.Ala1050Glufs*6, and p.Gln1062*) have been determined to be pathogenic (PMID: 20685668, 23460355, 15771908). This suggests that deletion of this region of the APC protein is causative of disease. This variant has not been reported in the literature in individuals with APC-related disease. This variant is not present in population databases (ExAC no frequency). This sequence change results in a premature translational stop signal in the APC gene (p.Leu779*). While this is not anticipated to result in nonsense mediated decay, it is expected to delete the last 2065 amino acids (~70%) of the APC protein.

Literature cited by the submitters: PubMed 20685668; PubMed 23460355; PubMed 15771908.